The following is an entry in ClinVar:

NM_032043.3(BRIP1):c.3070G>A (p.Gly1024Arg)

Gene: BRIP1 (BRCA1 interacting DNA helicase 1; minus strand). Cytogenetic location: 17q23.2.
Variant type: single nucleotide variant.
Coding change: c.3070G>A on transcript NM_032043.3 (MANE Select); coding-DNA position 3070, G replaced by A.
Protein change: p.Gly1024Arg; replaces glycine 1024 with arginine.
Molecular consequence: missense variant.
Genome position (GRCh38, 1-based): chr17:61,683,976, C>T on the plus strand (G>A on the coding strand, the complement: BRIP1 is on the minus strand). VCF-style: chr17-61683976-C-T. GRCh37 (hg19) VCF-style: chr17-59761337-C-T.
Other names: short protein forms G1024R.
Identifiers: ClinVar variation 407819 (VCV000407819.23), dbSNP rs147119272, ClinGen allele CA8690405.

ClinVar aggregate classification (germline): Conflicting classifications of pathogenicity. Review status: criteria provided, conflicting classifications (1 of 4 stars). 8 submissions from 8 submitters: Uncertain significance (4); Likely benign (3). 1 of the submissions does not count toward it. Last evaluated 2025-04-02.

Conditions:
Ovarian cancer. Also called: OVARIAN CANCER, SOMATIC. Identifiers: Orphanet 213500, MedGen C1140680, MONDO:0008170, OMIM 167000.
Fanconi anemia complementation group J. Also called: BRIP1-Related Fanconi Anemia. Identifiers: Orphanet 84, MedGen C1836860, MONDO:0012187, OMIM 609054.
Familial ovarian cancer. Identifiers: MedGen C5679802, MONDO:0016248.
Hereditary cancer-predisposing syndrome. Also called: Neoplastic Syndromes, Hereditary; Tumor predisposition; Hereditary Cancer Syndrome; Hereditary neoplastic syndrome. Identifiers: Orphanet 140162, MedGen C0027672, MeSH D009386, MONDO:0015356.
Familial cancer of breast. Also called: hereditary breast carcinoma; BREAST CANCER, FAMILIAL; Hereditary breast cancer. Identifiers: Orphanet 227535, MedGen C0346153, MONDO:0016419, OMIM 114480. Disease mechanism: loss of function.

Allele frequency attached by ClinVar (database versions not stated): gnomAD 0.00001; gnomAD exomes 0.00001; ExAC 0.00002; TOPMed 0.00002; ESP Exome Variant Server 0.00008.
gnomAD v4.1: 8 of 1,614,022 alleles (0.0005%); highest among the groups gnomAD compares: South Asian, 0.0022%; no homozygotes.

Submissions (8):

Molecular Pathology, Peter Maccallum Cancer Centre
Classification: Uncertain significance for Familial ovarian cancer. Last evaluated: 2025-04-02. Review status: criteria provided, single submitter. Criteria: ACMG Guidelines, 2015. Collection method: clinical testing. Allele origin: germline. Inheritance: Autosomal dominant inheritance.

Color Diagnostics, LLC DBA Color Health
Classification: Likely benign for Hereditary cancer-predisposing syndrome. Last evaluated: 2025-03-26. Review status: criteria provided, single submitter. Criteria: ACMG Guidelines, 2015. Collection method: clinical testing. Allele origin: germline.

Quest Diagnostics Nichols Institute San Juan Capistrano
Classification: Uncertain significance. Last evaluated: 2025-01-13. Review status: criteria provided, single submitter. Criteria: Quest Diagnostics criteria. Collection method: clinical testing. Allele origin: unknown.
Comment: The BRIP1 c.3070G>A (p.Gly1024Arg) variant has been reported in the published literature in an individual with breast cancer as well as in reportedly healthy individuals in a large scale breast cancer association study (PMID: 33471991 (2021), see also LOVD). The frequency of this variant in the general population (Genome Aggregation Database) is uninformative in the assessment of its pathogenicity. Analysis of this variant using bioinformatics tools for the prediction of the effect of amino acid changes on protein structure and function yielded predictions that this variant is benign. Based on the available information, we are unable to determine the clinical significance of this variant.

Labcorp Genetics (formerly Invitae), Labcorp
Classification: Uncertain significance for Familial cancer of breast; Fanconi anemia complementation group J. Last evaluated: 2024-12-04. Review status: criteria provided, single submitter. Criteria: Invitae Variant Classification Sherloc (09022015). Collection method: clinical testing. Allele origin: germline.
Comment: This sequence change replaces glycine, which is neutral and non-polar, with arginine, which is basic and polar, at codon 1024 of the BRIP1 protein (p.Gly1024Arg). This variant is present in population databases (rs147119272, gnomAD 0.006%). This variant has not been reported in the literature in individuals affected with BRIP1-related conditions. ClinVar contains an entry for this variant (Variation ID: 407819). Invitae Evidence Modeling of protein sequence and biophysical properties (such as structural, functional, and spatial information, amino acid conservation, physicochemical variation, residue mobility, and thermodynamic stability) indicates that this missense variant is not expected to disrupt BRIP1 protein function with a negative predictive value of 95%. RNA analysis performed to evaluate the impact of this missense change on mRNA splicing indicates it does not significantly alter splicing (internal data). In summary, the available evidence is currently insufficient to determine the role of this variant in disease. Therefore, it has been classified as a Variant of Uncertain Significance.

Blueprint Genetics
Classification: Likely benign. Last evaluated: 2023-03-13. Review status: criteria provided, single submitter. Criteria: ACMG Guidelines, 2015. Collection method: clinical testing. Allele origin: germline.

Myriad Genetics, Inc.
Classification: Uncertain significance for Familial cancer of breast. Last evaluated: 2023-02-27. Review status: criteria provided, single submitter. Criteria: Myriad Autosomal Dominant, Autosomal Recessive and X-Linked Classification Criteria (2023). Collection method: clinical testing. Allele origin: unknown.
Comment: This variant is classified as a variant of uncertain significance as there is insufficient evidence to determine its impact on protein function and/or cancer risk.

Ambry Genetics
Classification: Likely benign for Hereditary cancer-predisposing syndrome. Last evaluated: 2019-04-01. Review status: criteria provided, single submitter. Criteria: Ambry Variant Classification Scheme 2023. Collection method: clinical testing. Allele origin: germline.

Counsyl
Classification: Uncertain significance for Fanconi anemia complementation group J; Ovarian cancer. Last evaluated: 2018-01-19. Review status: no assertion criteria provided. Collection method: clinical testing. Allele origin: unknown. Not counted in ClinVar's aggregate classification.

Literature cited by the submitters: PubMed 33471991 (cited by Quest Diagnostics Nichols Institute San Juan Capistrano).